The following is an entry in ClinVar:

NM_001363118.2(SLC52A2):c.151G>A (p.Val51Ile)

Gene: SLC52A2 (solute carrier family 52 member 2; plus strand). Cytogenetic location: 8q24.3.
Variant type: single nucleotide variant.
Coding change: c.151G>A on transcript NM_001363118.2 (MANE Select); coding-DNA position 151, G replaced by A.
Protein change: p.Val51Ile; replaces valine 51 with isoleucine.
Molecular consequence: missense variant. On other transcripts: non-coding transcript variant (1), intron variant (1).
Genome position (GRCh38, 1-based): chr8:144,359,643, G>A. VCF-style: chr8-144359643-G-A. GRCh37 (hg19) VCF-style: chr8-145583303-G-A.
Other names: c.151G>A, p.Val51Ile (NM_001253815.2, NM_001253816.2, NM_001363120.2 and 2 more transcripts); c.130+220G>A (NM_001363122.2); short protein forms V51I.
Identifiers: ClinVar variation 944599 (VCV000944599.9), dbSNP rs781986043, ClinGen allele CA4938128.

ClinVar aggregate classification (germline): Uncertain significance. Review status: criteria provided, multiple submitters, no conflicts (2 of 4 stars). 2 submissions from 2 submitters: Uncertain significance (2). Last evaluated 2023-03-07.

Conditions:
Inborn genetic diseases. Identifiers: MedGen C0950123, MeSH D030342.
Brown-Vialetto-van Laere syndrome 2. Also called: SPINOCEREBELLAR ATAXIA WITH BLINDNESS AND DEAFNESS 2; Riboflavin transporter deficiency type 2. Identifiers: Orphanet 572543, Orphanet 97229, MedGen C3553538, MONDO:0013867, OMIM 614707.

Allele frequency attached by ClinVar (database versions not stated): gnomAD 0.00001; TOPMed 0.00002.
gnomAD v4.1: 29 of 1,613,446 alleles (0.0018%); highest among the groups gnomAD compares: Middle Eastern, 0.033%; no homozygotes.

Submissions (2):

Ambry Genetics
Classification: Uncertain significance for Inborn genetic diseases. Last evaluated: 2023-03-07. Review status: criteria provided, single submitter. Criteria: Ambry Variant Classification Scheme 2023. Collection method: clinical testing. Allele origin: germline.

Labcorp Genetics (formerly Invitae), Labcorp
Classification: Uncertain significance for Brown-Vialetto-van Laere syndrome 2. Last evaluated: 2022-05-25. Review status: criteria provided, single submitter. Criteria: Invitae Variant Classification Sherloc (09022015). Collection method: clinical testing. Allele origin: germline.
Comment: This variant has not been reported in the literature in individuals affected with SLC52A2-related conditions. This variant is present in population databases (rs781986043, gnomAD 0.005%). ClinVar contains an entry for this variant (Variation ID: 944599). Advanced modeling of protein sequence and biophysical properties (such as structural, functional, and spatial information, amino acid conservation, physicochemical variation, residue mobility, and thermodynamic stability) performed at Invitae indicates that this missense variant is not expected to disrupt SLC52A2 protein function. This sequence change replaces valine, which is neutral and non-polar, with isoleucine, which is neutral and non-polar, at codon 51 of the SLC52A2 protein (p.Val51Ile). In summary, the available evidence is currently insufficient to determine the role of this variant in disease. Therefore, it has been classified as a Variant of Uncertain Significance.